The following is an entry in ClinVar:

NM_144701.3(IL23R):c.1609G>A (p.Val537Met)

Gene: IL23R (interleukin 23 receptor; plus strand). Cytogenetic location: 1p31.3.
Variant type: single nucleotide variant.
Coding change: c.1609G>A on transcript NM_144701.3 (MANE Select); coding-DNA position 1609, G replaced by A.
Protein change: p.Val537Met; replaces valine 537 with methionine.
Molecular consequence: missense variant.
Genome position (GRCh38, 1-based): chr1:67,258,847, G>A. VCF-style: chr1-67258847-G-A. GRCh37 (hg19) VCF-style: chr1-67724530-G-A.
Other names: short protein forms V537M.
Identifiers: ClinVar variation 4712831 (VCV004712831.1).

ClinVar aggregate classification (germline): Uncertain significance (1 of 4 stars; one submission).

Submission:

Labcorp Genetics (formerly Invitae), Labcorp
Classification: Uncertain significance. Last evaluated: 2025-02-11. Review status: criteria provided, single submitter. Criteria: Invitae Variant Classification Sherloc (09022015). Collection method: clinical testing. Allele origin: germline.
Comment: This sequence change replaces valine, which is neutral and non-polar, with methionine, which is neutral and non-polar, at codon 537 of the IL23R protein (p.Val537Met). This variant is not present in population databases (gnomAD no frequency). This variant has not been reported in the literature in individuals affected with IL23R-related conditions. An algorithm developed to predict the effect of missense changes on protein structure and function outputs the following: PolyPhen-2: "Benign". The methionine amino acid residue is found in multiple mammalian species, which suggests that this missense change does not adversely affect protein function. In summary, the available evidence is currently insufficient to determine the role of this variant in disease. Therefore, it has been classified as a Variant of Uncertain Significance.